The following is an entry in ClinVar:

NM_170754.4(TNS2):c.3682T>C (p.Leu1228=)

Gene: TNS2 (tensin 2; plus strand). Cytogenetic location: 12q13.13.
Variant type: single nucleotide variant.
Coding change: c.3682T>C on transcript NM_170754.4 (MANE Select); coding-DNA position 3682, T replaced by C.
Protein change: p.Leu1228=; no amino-acid change (leucine 1228 retained).
Molecular consequence: synonymous variant.
Genome position (GRCh38, 1-based): chr12:53,062,390, T>C. VCF-style: chr12-53062390-T-C. GRCh37 (hg19) VCF-style: chr12-53456174-T-C.
Other names: c.3682T>C, p.Leu1228= (NM_001416202.1); c.3640T>C, p.Leu1214= (NM_001416203.1); c.3709T>C, p.Leu1237= (NM_001416204.1); c.3613T>C, p.Leu1205= (NM_015319.3); c.3310T>C, p.Leu1104= (NM_198316.2).
Identifiers: ClinVar variation 3057130 (VCV003057130.2), dbSNP rs776262989, ClinGen allele CA6592953.
Genomic context (GRCh38, chr12:53,062,390, plus strand): 5'-GGGGCACCCTGGGCATCTCGGGACTTTCCTACCTCCTCTCCCACAGGCAGCCTGTCCGCC[T>C]TGGTCTCCCAGCACTCCATCTCCCCCATCTCCCTGCCCTGCTGCCTGCGCATTCCCAGCA-3'
Protein context (NP_736610.2, residues 1218-1238): SEPYFGSLSA[Leu1228=]VSQHSISPIS

ClinVar aggregate classification (germline): Likely benign (0 of 4 stars; one submission).

Conditions:
TNS2-related disorder. Also called: TNS2-related condition.

Allele frequency attached by ClinVar (database versions not stated): gnomAD exomes below 0.00001; ExAC 0.00001.
gnomAD v4.1: 2 of 1,614,018 alleles (0.00012%); highest among the groups gnomAD compares: African/African-American, 0.0013%; no homozygotes.

Submission:

PreventionGenetics, part of Exact Sciences
Classification: Likely benign for TNS2-related condition. Last evaluated: 2022-12-08. Review status: no assertion criteria provided. Collection method: clinical testing. Allele origin: germline.
Comment: This variant is classified as likely benign based on ACMG/AMP sequence variant interpretation guidelines (Richards et al. 2015 PMID: 25741868, with internal and published modifications).